The following is an entry in ClinVar:

NM_017849.4(TMEM127):c.343G>A (p.Val115Ile)

Gene: TMEM127 (transmembrane protein 127; minus strand). Cytogenetic location: 2q11.2.
Variant type: single nucleotide variant.
Coding change: c.343G>A on transcript NM_017849.4 (MANE Select); coding-DNA position 343, G replaced by A.
Protein change: p.Val115Ile; replaces valine 115 with isoleucine.
Molecular consequence: missense variant.
Genome position (GRCh38, 1-based): chr2:96,254,899, C>T on the plus strand (G>A on the coding strand, the complement: TMEM127 is on the minus strand). VCF-style: chr2-96254899-C-T. GRCh37 (hg19) VCF-style: chr2-96920637-C-T.
Other names: c.343G>A, p.Val115Ile (NM_001193304.3); short protein forms V115I.
Identifiers: ClinVar variation 639331 (VCV000639331.10), dbSNP rs930453941, ClinGen allele CA52412966.

ClinVar aggregate classification (germline): Uncertain significance. Review status: criteria provided, multiple submitters, no conflicts (2 of 4 stars). 3 submissions from 3 submitters: Uncertain significance (3). Last evaluated 2025-11-03.

Conditions:
Hereditary pheochromocytoma and paraganglioma. Also called: Hereditary Paraganglioma-Pheochromocytoma Syndromes; Hereditary paragangliomas and pheochromocytomas; Hereditary pheochromocytoma-paraganglioma. Identifiers: Orphanet 29072, MedGen C4274332, MONDO:0017366.
Hereditary cancer-predisposing syndrome. Also called: Neoplastic Syndromes, Hereditary; Hereditary Cancer Syndrome; Tumor predisposition; Hereditary neoplastic syndrome. Identifiers: Orphanet 140162, MedGen C0027672, MeSH D009386, MONDO:0015356.

Allele frequency attached by ClinVar (database versions not stated): gnomAD exomes 0.00001.
gnomAD v4.1: 4 of 1,614,032 alleles (0.00025%); highest among the groups gnomAD compares: Non-Finnish European, 0.00034%; no homozygotes.

Submissions (3):

Labcorp Genetics (formerly Invitae), Labcorp
Classification: Uncertain significance for Hereditary pheochromocytoma and paraganglioma. Last evaluated: 2025-11-03. Review status: criteria provided, single submitter. Criteria: Invitae Variant Classification Sherloc (09022015). Collection method: clinical testing. Allele origin: germline.
Comment: This sequence change replaces valine, which is neutral and non-polar, with isoleucine, which is neutral and non-polar, at codon 115 of the TMEM127 protein (p.Val115Ile). This variant is not present in population databases (gnomAD no frequency). This variant has not been reported in the literature in individuals affected with TMEM127-related conditions. ClinVar contains an entry for this variant (Variation ID: 639331). An algorithm developed to predict the effect of missense changes on protein structure and function (PolyPhen-2) suggests that this variant is likely to be disruptive. In summary, the available evidence is currently insufficient to determine the role of this variant in disease. Therefore, it has been classified as a Variant of Uncertain Significance.

Ambry Genetics
Classification: Uncertain significance for Hereditary cancer-predisposing syndrome. Last evaluated: 2025-09-01. Review status: criteria provided, single submitter. Criteria: Ambry Variant Classification Scheme 2023. Collection method: clinical testing. Allele origin: germline.
Comment: The p.V115I variant (also known as c.343G>A), located in coding exon 2 of the TMEM127 gene, results from a G to A substitution at nucleotide position 343. The valine at codon 115 is replaced by isoleucine, an amino acid with highly similar properties. This amino acid position is highly conserved in available vertebrate species. In addition, the in silico prediction for this alteration is inconclusive. Since supporting evidence is limited at this time, the clinical significance of this alteration remains unclear.

Quest Diagnostics Nichols Institute San Juan Capistrano
Classification: Uncertain significance. Last evaluated: 2023-05-07. Review status: criteria provided, single submitter. Criteria: Quest Diagnostics criteria. Collection method: clinical testing. Allele origin: unknown.
Comment: The variant has not been reported in the published literature. It also has not been reported in large, multi-ethnic general populations. Analysis of this variant using bioinformatics tools for the prediction of the effect of amino acid changes on protein structure and function yielded conflicting predictions that this variant is benign or damaging. Based on the available information, we are unable to determine the clinical significance of this variant.